The following is an entry in ClinVar:

ClinVar aggregate classification (germline): Uncertain significance (1 of 4 stars; one submission).

Conditions:
DNMT3A-related disorder. Also called: DNMT3A-related condition; DNMT3A-related disorders.

gnomAD v4.1: 1 of 485,436 alleles (0.00021%); no homozygotes.

Submission:

PreventionGenetics, part of Exact Sciences
Classification: Uncertain significance for DNMT3A-related condition. Last evaluated: 2023-06-01. Review status: criteria provided, single submitter. Criteria: ACMG Guidelines, 2015. Collection method: clinical testing. Allele origin: germline.
Comment: The DNMT3A c.183+1G>A variant is predicted to disrupt the GT donor site and interfere with normal splicing. Using an alternate transcript (NM_175629), this variant is a deep intronic variant (c.640-3659G>A) that is not predicted to impact splicing based on available prediction programs (Alamut Visual Plus v1.6.1). To our knowledge, this variant has not been reported in the literature or in a large population database, indicating this variant is rare. At this time, the clinical significance of this variant is uncertain due to the absence of conclusive functional and genetic evidence.

NM_022552.5(DNMT3A):c.640-3659G>A

Gene: DNMT3A (DNA methyltransferase 3 alpha; minus strand). Cytogenetic location: 2p23.3.
Variant type: single nucleotide variant.
Coding change: c.640-3659G>A on transcript NM_022552.5 (MANE Select); 3659 bases into the intron before coding-DNA position 640, G replaced by A.
Molecular consequence: intron variant. On other transcripts: splice donor variant (1).
Genome position (GRCh38, 1-based): chr2:25,251,911, C>T on the plus strand (G>A on the coding strand, the complement: DNMT3A is on the minus strand). VCF-style: chr2-25251911-C-T. GRCh37 (hg19) VCF-style: chr2-25474780-C-T.
Other names: c.640-3659G>A (NM_175629.2); c.4+283G>A (NM_153759.3); c.183+1G>A (NM_001320893.1); c.-31+283G>A (NM_001375819.1).
Identifiers: ClinVar variation 2633271 (VCV002633271.1), dbSNP rs2465626330, ClinGen allele CA2658167852.